The following is an entry in ClinVar:

NM_173630.4(RTTN):c.4306G>T (p.Ala1436Ser)

Gene: RTTN (rotatin; minus strand). Cytogenetic location: 18q22.2.
Variant type: single nucleotide variant.
Coding change: c.4306G>T on transcript NM_173630.4 (MANE Select); coding-DNA position 4306, G replaced by T.
Protein change: p.Ala1436Ser; replaces alanine 1436 with serine.
Molecular consequence: missense variant.
Genome position (GRCh38, 1-based): chr18:70,086,681, C>A on the plus strand (G>T on the coding strand, the complement: RTTN is on the minus strand). VCF-style: chr18-70086681-C-A. GRCh37 (hg19) VCF-style: chr18-67753917-C-A.
Other names: c.1570G>T, p.Ala524Ser (NM_001318520.2); short protein forms A1436S, A524S.
Identifiers: ClinVar variation 1378607 (VCV001378607.5), dbSNP rs769446702, ClinGen allele CA8995295.

ClinVar aggregate classification (germline): Uncertain significance (1 of 4 stars; one submission).

Allele frequency attached by ClinVar (database versions not stated): gnomAD exomes 0.00001; TOPMed below 0.00001; ExAC 0.00001.
gnomAD v4.1: 16 of 507,170 alleles (0.0032%); highest among the groups gnomAD compares: Non-Finnish European, 0.0052%; no homozygotes.

Submission:

Labcorp Genetics (formerly Invitae), Labcorp
Classification: Uncertain significance. Last evaluated: 2021-08-30. Review status: criteria provided, single submitter. Criteria: Invitae Variant Classification Sherloc (09022015). Collection method: clinical testing. Allele origin: germline.
Comment: This sequence change replaces alanine with serine at codon 1436 of the RTTN protein (p.Ala1436Ser). The alanine residue is highly conserved and there is a moderate physicochemical difference between alanine and serine. This variant is present in population databases (rs769446702, ExAC 0.002%). This variant has not been reported in the literature in individuals affected with RTTN-related conditions. Algorithms developed to predict the effect of missense changes on protein structure and function are either unavailable or do not agree on the potential impact of this missense change (SIFT: "Deleterious"; PolyPhen-2: "Probably Damaging"; Align-GVGD: "Class C0"). In summary, the available evidence is currently insufficient to determine the role of this variant in disease. Therefore, it has been classified as a Variant of Uncertain Significance.